The following is an entry in ClinVar:

ClinVar aggregate classification (germline): Pathogenic/Likely pathogenic. Review status: criteria provided, multiple submitters, no conflicts (2 of 4 stars). 6 submissions from 6 submitters: Pathogenic (4); Likely pathogenic (2). Last evaluated 2025-06-09.

Conditions:
WFS1-related disorder. Identifiers: MedGen CN379391, MONDO:0700293.
Wolfram-like syndrome. Also called: HEARING LOSS, PROGRESSIVE, WITH OPTIC ATROPHY AND/OR IMPAIRED GLUCOSE REGULATION. Identifiers: Orphanet 411590, MedGen C3280358, MONDO:0013673, OMIM 614296.
Cataract 41 (CTRCT41). Also called: CATARACT 41, CONGENITAL NUCLEAR TYPE. Identifiers: Orphanet 91492, Orphanet 98991, Orphanet 98992, Orphanet 98995, MedGen C3805412, MONDO:0007287, OMIM 116400.
Type 2 diabetes mellitus. Also called: Type II diabetes mellitus. Identifiers: MedGen C0011860, MeSH D003924, MONDO:0005148, OMIM 125853, HP:0005978.
Autosomal dominant nonsyndromic hearing loss 6 (LFSNHL). Also called: DEAFNESS, AUTOSOMAL DOMINANT 6; DEAFNESS, AUTOSOMAL DOMINANT 14; DEAFNESS, AUTOSOMAL DOMINANT 38; Autosomal dominant nonsyndromic deafness 6. Identifiers: Orphanet 90635, MedGen C1833021, MONDO:0010963, OMIM 600965.
Wolfram syndrome 1 (WFS1). Identifiers: Orphanet 3463, MedGen C4551693, MONDO:0009101, OMIM 222300.

Allele frequency attached by ClinVar (database versions not stated): gnomAD 0.00001; gnomAD exomes 0.00003; ExAC 0.00004.
gnomAD v4.1: 14 of 1,614,020 alleles (0.00087%); highest among the groups gnomAD compares: Admixed American, 0.012%; no homozygotes.

Submissions (6):

Labcorp Genetics (formerly Invitae), Labcorp
Classification: Pathogenic. Last evaluated: 2025-06-09. Review status: criteria provided, single submitter. Criteria: Invitae Variant Classification Sherloc (09022015). Collection method: clinical testing. Allele origin: germline.
Comment: This sequence change replaces threonine, which is neutral and polar, with isoleucine, which is neutral and non-polar, at codon 361 of the WFS1 protein (p.Thr361Ile). This variant is present in population databases (rs781575919, gnomAD 0.02%). This missense change has been observed in individuals with Wolfram syndrome (PMID: 21446023, 25895475, 31692161). It has also been observed to segregate with disease in related individuals. ClinVar contains an entry for this variant (Variation ID: 430094). Invitae Evidence Modeling of protein sequence and biophysical properties (such as structural, functional, and spatial information, amino acid conservation, physicochemical variation, residue mobility, and thermodynamic stability) indicates that this missense variant is expected to disrupt WFS1 protein function with a positive predictive value of 95%. For these reasons, this variant has been classified as Pathogenic.

PreventionGenetics, part of Exact Sciences
Classification: Pathogenic for WFS1-related condition. Last evaluated: 2024-12-12. Review status: criteria provided, single submitter. Criteria: ACMG Guidelines, 2015. Collection method: clinical testing. Allele origin: germline.
Comment: The WFS1 c.1082C>T variant is predicted to result in the amino acid substitution p.Thr361Ile. This variant was reported in the homozygous state in four individuals with Wolfram syndrome from three families (Table S1, Chaussenot et al. 2011. PubMed ID: 21446023; Blanco-Aguirre et al. 2015. PubMed ID: 25895475) and in the homozygous state in an individual with sporadic ataxia (Ngo et al. 2019. PubMed ID: 31692161). This variant is reported in 0.020% of alleles in individuals of Latino descent in gnomAD. This variant is interpreted as pathogenic.

GeneDx
Classification: Likely pathogenic. Last evaluated: 2024-12-04. Review status: criteria provided, single submitter. Criteria: GeneDx Variant Classification Process June 2021. Collection method: clinical testing. Allele origin: germline. Affected: yes.
Comment: In silico analysis supports that this missense variant has a deleterious effect on protein structure/function; This variant is associated with the following publications: (PMID: 26435059, 25895475, 21446023, 31692161, 36208030)

Blueprint Genetics
Classification: Pathogenic for WFS1-related disorders. Last evaluated: 2024-10-25. Review status: criteria provided, single submitter. Criteria: ACMG Guidelines, 2015. Collection method: clinical testing. Allele origin: germline. Affected: yes. Observed: 3 variant alleles.

3billion
Classification: Pathogenic for Wolfram syndrome 1. Last evaluated: 2024-06-20. Review status: criteria provided, single submitter. Criteria: ACMG Guidelines, 2015. Collection method: clinical testing. Allele origin: germline. Affected: yes.
Comment: The variant is observed at an extremely low frequency in the gnomAD v4.0.0 dataset (total allele frequency: <0.001%). Predicted Consequence/Location: Missense variant In silico tool predictions suggest damaging effect of the variant on gene or gene product [REVEL: 0.86 (>=0.6, sensitivity 0.68 and specificity 0.92); 3Cnet: 0.80 (>=0.6, sensitivity 0.72 and precision 0.9)]. The same nucleotide change resulting in the same amino acid change has been previously reported as pathogenic/likely pathogenic with strong evidence (ClinVar ID: VCV000430094 /PMID: 21446023). The variant has been observed in multiple (>3) similarly affected unrelated individuals (PMID: 21446023, 25895475, 31692161). The variant has been reported to be in trans with a pathogenic variant as either compound heterozygous or homozygous in at least one similarly affected unrelated individual (PMID: 21446023, 25895475, 31692161). The variant has been reported to co-segregate with the disease in at least one similarly affected relative/individual in the same family or similarly affected unrelated family (PMID: 25895475). A different missense change at the same codon (p.Thr361Ser) has been reported to be associated with WFS1-related disorder (ClinVar ID: VCV001486730). Therefore, this variant is classified as Pathogenic according to the recommendation of ACMG/AMP guideline.

Fulgent Genetics
Classification: Likely pathogenic for Cataract 41; Type 2 diabetes mellitus; Wolfram syndrome 1; Autosomal dominant nonsyndromic hearing loss 6; Wolfram-like syndrome. Last evaluated: 2024-06-03. Review status: criteria provided, single submitter. Criteria: ACMG Guidelines, 2015. Collection method: clinical testing. Allele origin: germline.

Literature cited by the submitters: PubMed 21446023 (cited by Labcorp Genetics (formerly Invitae), Labcorp and 3billion); PubMed 25895475 (cited by Labcorp Genetics (formerly Invitae), Labcorp and 3billion); PubMed 31692161 (cited by Labcorp Genetics (formerly Invitae), Labcorp and 3billion).

NM_006005.3(WFS1):c.1082C>T (p.Thr361Ile)

Gene: WFS1 (wolframin ER transmembrane glycoprotein; plus strand). Cytogenetic location: 4p16.1.
Variant type: single nucleotide variant.
Coding change: c.1082C>T on transcript NM_006005.3 (MANE Select); coding-DNA position 1082, C replaced by T.
Protein change: p.Thr361Ile; replaces threonine 361 with isoleucine.
Molecular consequence: missense variant.
Genome position (GRCh38, 1-based): chr4:6,300,877, C>T. VCF-style: chr4-6300877-C-T. GRCh37 (hg19) VCF-style: chr4-6302604-C-T.
Other names: c.1082C>T, p.Thr361Ile (NM_001145853.1); short protein forms T361I.
Identifiers: ClinVar variation 430094 (VCV000430094.15), dbSNP rs781575919, ClinGen allele CA2839213.